The following is an entry in ClinVar:

ClinVar aggregate classification (germline): Likely benign. Review status: criteria provided, multiple submitters, no conflicts (2 of 4 stars). 2 submissions from 2 submitters: Likely benign (2). Last evaluated 2024-09-17.

Conditions:
Hereditary sensory neuropathy-deafness-dementia syndrome. Also called: HSN IE; Hereditary sensory neuropathy type IE; NEUROPATHY, HEREDITARY SENSORY, WITH HEARING LOSS AND DEMENTIA; Hereditary Sensory and Autonomic Neuropathy Type 1E (HSAN1E). Identifiers: Orphanet 456318, MedGen C3279885, MONDO:0013584, OMIM 614116.

Allele frequency attached by ClinVar (database versions not stated): gnomAD 0.00001; ExAC 0.00002; gnomAD exomes 0.00002; TOPMed 0.00003.
gnomAD v4.1: 27 of 1,614,096 alleles (0.0017%); highest among the groups gnomAD compares: African/African-American, 0.0027%; no homozygotes.

Submissions (2):

Labcorp Genetics (formerly Invitae), Labcorp
Classification: Likely benign for Hereditary sensory neuropathy-deafness-dementia syndrome. Last evaluated: 2024-09-17. Review status: criteria provided, single submitter. Criteria: Invitae Variant Classification Sherloc (09022015). Collection method: clinical testing. Allele origin: germline.

CeGaT Center for Human Genetics Tuebingen
Classification: Likely benign. Last evaluated: 2024-02-01. Review status: criteria provided, single submitter. Criteria: CeGaT Center For Human Genetics Tuebingen Variant Classification Criteria Version 2. Collection method: clinical testing. Allele origin: germline. Affected: yes. Observed: 1 variant allele.
Comment: DNMT1: BP4, BP7

NM_001130823.3(DNMT1):c.1743C>T (p.Asp581=)

Gene: DNMT1 (DNA methyltransferase 1; minus strand). Cytogenetic location: 19p13.2.
Variant type: single nucleotide variant.
Coding change: c.1743C>T on transcript NM_001130823.3 (MANE Select); coding-DNA position 1743, C replaced by T.
Protein change: p.Asp581=; no amino-acid change (aspartic acid 581 retained).
Molecular consequence: synonymous variant.
Genome position (GRCh38, 1-based): chr19:10,154,675, G>A on the plus strand (C>T on the coding strand, the complement: DNMT1 is on the minus strand). VCF-style: chr19-10154675-G-A. GRCh37 (hg19) VCF-style: chr19-10265351-G-A.
Other names: c.1695C>T, p.Asp565= (NM_001318730.2, NM_001379.4); c.1380C>T, p.Asp460= (NM_001318731.2).
Identifiers: ClinVar variation 1142333 (VCV001142333.31), dbSNP rs751873043, ClinGen allele CA9188234.
Genomic context (GRCh38, chr19:10,154,675, plus strand): 5'-GATCAGGTCCCGCATGCAGGGTGTCAGGAAGATGGGCTGCTCATCACTGTCCCCGGCCTC[G>A]TCATAACTCTCCACCTGCTCCACCACAAACTGCGCGTGTCGCAGGAGGGAGTCCTCTGTG-3'
Protein context (NP_001124295.1, residues 571-591): QFVVEQVESY[Asp581=]EAGDSDEQPI